The following is an entry in ClinVar:

ClinVar aggregate classification (germline): Uncertain significance (1 of 4 stars; one submission).

Submission:

GeneDx
Classification: Uncertain significance. Last evaluated: 2023-08-04. Review status: criteria provided, single submitter. Criteria: GeneDx Variant Classification Process June 2021. Collection method: clinical testing. Allele origin: germline. Affected: yes.
Comment: Not observed at significant frequency in large population cohorts (gnomAD); Frameshift variant predicted to result in protein truncation as the last 144 amino acids are replaced with 128 different amino acids, although loss-of-function variants have not been reported downstream of this position in the protein; Has not been previously published as pathogenic or benign to our knowledge

NM_001271.4(CHD2):c.5053del (p.Arg1685fs)

Gene: CHD2 (chromodomain helicase DNA binding protein 2; plus strand). Cytogenetic location: 15q26.1.
Variant type: Deletion.
Coding change: c.5053del on transcript NM_001271.4 (MANE Select); coding-DNA position 5053, one base deleted (C; older notation c.5053delC).
Protein change: p.Arg1685fs; shifts the reading frame from arginine 1685.
Molecular consequence: frameshift variant.
Genome position (GRCh38, 1-based): chr15:93,020,158, C deleted; the last of 2 consecutive C bases (chr15:93,020,157-93,020,158); deleting either gives the same sequence. VCF-style (leftmost placement, unchanged base first): chr15-93020156-AC-A. GRCh37 (hg19) VCF-style: chr15-93563386-AC-A.
Other names: short protein forms R1685fs.
Identifiers: ClinVar variation 3253583 (VCV003253583.1), dbSNP rs2505642106.
Genomic context (GRCh38, chr15:93,020,156, plus strand): 5'-AGTATGAGCAGCACTGGTACAAGGACCACCATTATGGGGACCGGCGACATATGGATGCCC[AC>A]CGTTCCGGAAGCTATCGACCCAACAACATGTCCAGAAAGAGGCCTTATGACCAGTACAGC-3'